The following is an entry in ClinVar:

NM_032043.3(BRIP1):c.3671G>C (p.Gly1224Ala)

Gene: BRIP1 (BRCA1 interacting DNA helicase 1; minus strand). Cytogenetic location: 17q23.2.
Variant type: single nucleotide variant.
Coding change: c.3671G>C on transcript NM_032043.3 (MANE Select); coding-DNA position 3671, G replaced by C.
Protein change: p.Gly1224Ala; replaces glycine 1224 with alanine.
Molecular consequence: missense variant.
Genome position (GRCh38, 1-based): chr17:61,683,375, C>G on the plus strand (G>C on the coding strand, the complement: BRIP1 is on the minus strand). VCF-style: chr17-61683375-C-G. GRCh37 (hg19) VCF-style: chr17-59760736-C-G.
Other names: short protein forms G1224A.
Identifiers: ClinVar variation 4631001 (VCV004631001.1).
Genomic context (GRCh38, chr17:61,683,375, plus strand): 5'-ATGCCTTTATTTTTGGAAGGAGATGGTTTAAAGTTCTTTATTTCTATTTCATGAGTTTTT[C>G]CCAGTTCCAGTTCATTTATCCAAGTTGTTTTTACATTACCATCAATGTCATCAATTTTAC-3'
Protein context (NP_114432.2, residues 1214-1234): KTTWINELEL[Gly1224Ala]KTHEIEIKNF

ClinVar aggregate classification (germline): Uncertain significance (1 of 4 stars; one submission).

Conditions:
Hereditary cancer-predisposing syndrome. Also called: Neoplastic Syndromes, Hereditary; Tumor predisposition; Hereditary Cancer Syndrome; Hereditary neoplastic syndrome. Identifiers: Orphanet 140162, MedGen C0027672, MeSH D009386, MONDO:0015356.

Submission:

Ambry Genetics
Classification: Uncertain significance for Hereditary cancer-predisposing syndrome. Last evaluated: 2025-10-27. Review status: criteria provided, single submitter. Criteria: Ambry Variant Classification Scheme 2023. Collection method: clinical testing. Allele origin: germline.
Comment: The p.G1224A variant (also known as c.3671G>C), located in coding exon 19 of the BRIP1 gene, results from a G to C substitution at nucleotide position 3671. The glycine at codon 1224 is replaced by alanine, an amino acid with similar properties. This amino acid position is conserved. In addition, this alteration is predicted to be tolerated by in silico analysis. Based on the available evidence, the clinical significance of this variant remains unclear.